The following is an entry in ClinVar:

ClinVar aggregate classification (germline): Benign (0 of 4 stars; one submission).

Conditions:
MUC16-related disorder. Also called: MUC16-related condition.

Allele frequency attached by ClinVar (database versions not stated): ExAC 0.38192; 1000 Genomes Project 30x 0.05481.

Submission:

PreventionGenetics, part of Exact Sciences
Classification: Benign for MUC16-related condition. Last evaluated: 2019-03-01. Review status: no assertion criteria provided. Collection method: clinical testing. Allele origin: germline.
Comment: This variant is classified as benign based on ACMG/AMP sequence variant interpretation guidelines (Richards et al. 2015 PMID: 25741868, with internal and published modifications).

NM_001401501.2(MUC16):c.42717T>C (p.His14239=)

Gene: MUC16 (mucin 16, cell surface associated; minus strand). Cytogenetic location: 19p13.2.
Variant type: single nucleotide variant.
Coding change: c.42717T>C on transcript NM_001401501.2 (MANE Select); coding-DNA position 42717, T replaced by C.
Protein change: p.His14239=; no amino-acid change (histidine 14239 retained).
Molecular consequence: synonymous variant.
Genome position (GRCh38, 1-based): chr19:8,891,949, A>G on the plus strand (T>C on the coding strand, the complement: MUC16 is on the minus strand). VCF-style: chr19-8891949-A-G. GRCh37 (hg19) VCF-style: chr19-9002625-A-G.
Other names: c.43143T>C, p.His14381= (NM_001414686.1); c.42597T>C, p.His14199= (NM_001414687.1); c.40191T>C, p.His13397= (NM_024690.2).
Identifiers: ClinVar variation 3056631 (VCV003056631.2), dbSNP rs749944282, ClinGen allele CA9163524.